The following is an entry in ClinVar:

NM_194454.3(KRIT1):c.1820dup (p.Asn607fs)

Gene: KRIT1 (KRIT1 ankyrin repeat containing; minus strand). Cytogenetic location: 7q21.2.
Variant type: Duplication.
Coding change: c.1820dup on transcript NM_194454.3 (MANE Select); coding-DNA position 1820, one base duplicated (A; older notation c.1820dupA).
Protein change: p.Asn607fs; shifts the reading frame from asparagine 607.
Molecular consequence: frameshift variant.
Genome position (GRCh38, 1-based): chr7:92,213,400, T duplicated on the plus strand (A on the coding strand, the reverse complement: KRIT1 is on the minus strand); the first of 2 consecutive T bases (chr7:92,213,400-92,213,401); duplicating either gives the same sequence. VCF-style (leftmost placement, unchanged base first): chr7-92213399-A-AT. GRCh37 (hg19) VCF-style: chr7-91842713-A-AT.
Other names: c.1676dup, p.Asn559fs (NM_001013406.2, NM_001350669.1, NM_001350670.1); c.1106dup, p.Asn369fs (NM_001350671.1); c.1820dup, p.Asn607fs (NM_001350672.1, NM_001350673.1, NM_001350674.1 and 26 more transcripts); short protein forms N369fs, N559fs, N607fs.
Identifiers: ClinVar variation 3384224 (VCV003384224.1).

ClinVar aggregate classification (germline): Pathogenic (0 of 4 stars; one submission).

Conditions:
Cerebral cavernous malformation (CCM). Also called: Cerebral cavernous hemangioma (type); Cavernous Hemangioma of Brain; CAVERNOUS ANGIOMA, FAMILIAL; CAVERNOUS ANGIOMATOUS MALFORMATIONS; CEREBRAL CAPILLARY MALFORMATIONS; Cerebral cavernous malformations. Identifiers: Orphanet 221061, MedGen C2919945, MONDO:0000820, OMIM 116860, HP:0033522.

Submission:

Clinical Genetics, Synlab MVZ Humangenetik Freiburg
Classification: Pathogenic for Cerebral cavernous malformation. Last evaluated: 2024-01-29. Review status: no assertion criteria provided. Collection method: clinical testing. Allele origin: germline. Affected: yes.
Comment: The variant has not previously been described as pathogenic (HGMD Professional 2023.4) and is not liste